The following is an entry in ClinVar:

ClinVar aggregate classification (germline): Pathogenic (1 of 4 stars; one submission).

Submission:

GeneDx
Classification: Pathogenic. Last evaluated: 2018-10-12. Review status: criteria provided, single submitter. Criteria: GeneDx Variant Classification (06012015). Collection method: clinical testing. Allele origin: germline. Affected: yes.
Comment: The W1876X variant in the MED13 gene has not been reported previously as a pathogenic variantnor as a benign variant, to our knowledge. This variant is predicted to cause loss of normal protein function either through protein truncation or nonsense-mediated mRNA decay. The W1876X variant is not observed in large population cohorts (Lek et al., 2016). We interpret W1876X as a pathogenic variant.

NM_005121.3(MED13):c.5627G>A (p.Trp1876Ter)

Gene: MED13 (mediator complex subunit 13; minus strand). Cytogenetic location: 17q23.2.
Variant type: single nucleotide variant.
Coding change: c.5627G>A on transcript NM_005121.3 (MANE Select); coding-DNA position 5627, G replaced by A.
Protein change: p.Trp1876Ter; replaces tryptophan 1876 with a stop codon.
Molecular consequence: nonsense.
Genome position (GRCh38, 1-based): chr17:61,955,835, C>T on the plus strand (G>A on the coding strand, the complement: MED13 is on the minus strand). VCF-style: chr17-61955835-C-T. GRCh37 (hg19) VCF-style: chr17-60033196-C-T.
Other names: short protein forms W1876*.
Identifiers: ClinVar variation 620178 (VCV000620178.1), dbSNP rs1567940265, ClinGen allele CA400505140.